The following is an entry in ClinVar:

NM_000046.5(ARSB):c.43C>G (p.Pro15Ala)

Genes: ARSB (arylsulfatase B; minus strand), LOC129994126 (ATAC-STARR-seq lymphoblastoid silent region 16127; plus strand). Cytogenetic location: 5q14.1.
Variant type: single nucleotide variant.
Coding change: c.43C>G on transcript NM_000046.5 (MANE Select); coding-DNA position 43, C replaced by G.
Protein change: p.Pro15Ala; replaces proline 15 with alanine.
Molecular consequence: missense variant.
Genome position (GRCh38, 1-based): chr5:78,985,206, G>C on the plus strand (C>G on the coding strand, the complement: ARSB is on the minus strand). VCF-style: chr5-78985206-G-C. GRCh37 (hg19) VCF-style: chr5-78281029-G-C.
Other names: c.43C>G, p.Pro15Ala (NM_198709.3); short protein forms P15A.
Identifiers: ClinVar variation 971367 (VCV000971367.3), dbSNP rs778159305, ClinGen allele CA3318372.

ClinVar aggregate classification (germline): Uncertain significance (1 of 4 stars; one submission).

Conditions:
Mucopolysaccharidosis type 6 (MPS6). Also called: MPS 6; Maroteaux Lamy syndrome; MPS VI; N-ACETYLGALACTOSAMINE-4-SULFATASE DEFICIENCY; ARYLSULFATASE B DEFICIENCY; ARSB DEFICIENCY. Identifiers: Orphanet 583, MedGen C0026709, MONDO:0009661, OMIM 253200.

Allele frequency attached by ClinVar (database versions not stated): gnomAD exomes 0.00002 and 0.00007; gnomAD 0.00003; TOPMed 0.00006; ExAC 0.00046.
gnomAD v4.1: 25 of 1,371,140 alleles (0.0018%); highest among the groups gnomAD compares: East Asian, 0.07%; no homozygotes.

Submission:

Labcorp Genetics (formerly Invitae), Labcorp
Classification: Uncertain significance for Mucopolysaccharidosis type 6. Last evaluated: 2021-08-30. Review status: criteria provided, single submitter. Criteria: Invitae Variant Classification Sherloc (09022015). Collection method: clinical testing. Allele origin: germline.
Comment: This sequence change replaces proline with alanine at codon 15 of the ARSB protein (p.Pro15Ala). The proline residue is moderately conserved and there is a small physicochemical difference between proline and alanine. While this variant is present in population databases (rs778159305), the frequency information is unreliable, as metrics indicate poor data quality at this position in the ExAC database. This variant has not been reported in the literature in individuals affected with ARSB-related conditions. Algorithms developed to predict the effect of missense changes on protein structure and function are either unavailable or do not agree on the potential impact of this missense change (SIFT: "Tolerated"; PolyPhen-2: "Not Available"; Align-GVGD: "Class C0"). In summary, the available evidence is currently insufficient to determine the role of this variant in disease. Therefore, it has been classified as a Variant of Uncertain Significance.